The following is an entry in ClinVar:

ClinVar aggregate classification (germline): Pathogenic (1 of 4 stars; one submission).

Submission:

Labcorp Genetics (formerly Invitae), Labcorp
Classification: Pathogenic. Last evaluated: 2024-12-14. Review status: criteria provided, single submitter. Criteria: Invitae Variant Classification Sherloc (09022015). Collection method: clinical testing. Allele origin: germline.
Comment: This sequence change creates a premature translational stop signal (p.Arg865Valfs*4) in the GRIP1 gene. It is expected to result in an absent or disrupted protein product. Loss-of-function variants in GRIP1 are known to be pathogenic (PMID: 22510445, 24357607). This variant is not present in population databases (gnomAD no frequency). This variant has not been reported in the literature in individuals affected with GRIP1-related conditions. For these reasons, this variant has been classified as Pathogenic.

Literature cited by the submitters: PubMed 22510445; PubMed 24357607.

NM_001366722.1(GRIP1):c.2749del (p.Arg917fs)

Gene: GRIP1 (glutamate receptor interacting protein 1; minus strand). Cytogenetic location: 12q14.3.
Variant type: Deletion.
Coding change: c.2749del on transcript NM_001366722.1 (MANE Select); coding-DNA position 2749, one base deleted (C; older notation c.2749delC).
Protein change: p.Arg917fs; shifts the reading frame from arginine 917.
Molecular consequence: frameshift variant. On other transcripts: intron variant (5).
Genome position (GRCh38, 1-based): chr12:66,377,046, G deleted on the plus strand (C on the coding strand, the reverse complement: GRIP1 is on the minus strand). VCF-style (leftmost placement, unchanged base first): chr12-66377045-CG-C. GRCh37 (hg19) VCF-style: chr12-66770825-CG-C.
Other names: c.2668del, p.Arg890fs (NM_001366723.1); c.2671del, p.Arg891fs (NM_001366724.1); c.2827del, p.Arg943fs (NM_001379345.1); c.2596del, p.Arg866fs (NM_001379349.1); c.2593del, p.Arg865fs (NM_021150.4); c.2577+128del (NM_001379351.1, NM_001178074.2); c.2652+128del (NM_001379348.1); c.2655+128del (NM_001379347.1); and 1 more; short protein forms R891fs, R917fs, R943fs, R865fs, R890fs, R866fs.
Identifiers: ClinVar variation 3726914 (VCV003726914.2).